The following is an entry in ClinVar:

ClinVar aggregate classification (germline): Pathogenic (1 of 4 stars; one submission).

Submission:

Labcorp Genetics (formerly Invitae), Labcorp
Classification: Pathogenic. Last evaluated: 2023-05-15. Review status: criteria provided, single submitter. Criteria: Invitae Variant Classification Sherloc (09022015). Collection method: clinical testing. Allele origin: germline.
Comment: For these reasons, this variant has been classified as Pathogenic. ClinVar contains an entry for this variant (Variation ID: 964796). This variant has not been reported in the literature in individuals affected with CTNNA1-related conditions. This variant is not present in population databases (gnomAD no frequency). This sequence change creates a premature translational stop signal (p.Gly274Argfs*11) in the CTNNA1 gene. It is expected to result in an absent or disrupted protein product. Loss-of-function variants in CTNNA1 are known to be pathogenic (PMID: 32051609, 34425242).

Literature cited by the submitters: PubMed 32051609; PubMed 34425242.

NM_001903.5(CTNNA1):c.818dup (p.Gly274fs)

Gene: CTNNA1 (catenin alpha 1; plus strand). Cytogenetic location: 5q31.2.
Variant type: Duplication.
Coding change: c.818dup on transcript NM_001903.5 (MANE Select); coding-DNA position 818, one base duplicated (G; older notation c.818dupG).
Protein change: p.Gly274fs; shifts the reading frame from glycine 274.
Molecular consequence: frameshift variant.
Genome position (GRCh38, 1-based): chr5:138,824,759, G duplicated; the last of 2 consecutive G bases (chr5:138,824,758-138,824,759); duplicating either gives the same sequence. VCF-style (leftmost placement, unchanged base first): chr5-138824757-T-TG. GRCh37 (hg19) VCF-style: chr5-138160446-T-TG.
Other names: c.818dup, p.Gly274fs (NM_001290307.3, NM_001323982.2, NM_001323983.1 and 3 more transcripts); c.509dup, p.Gly171fs (NM_001290309.3); c.449dup, p.Gly151fs (NM_001290310.3); short protein forms G151fs, G171fs, G274fs.
Identifiers: ClinVar variation 964796 (VCV000964796.7), dbSNP rs1760472413, ClinGen allele CA1139659083.